The following is an entry in ClinVar:

NM_004333.6(BRAF):c.1433-5T>C

Gene: BRAF (B-Raf proto-oncogene, serine/threonine kinase; minus strand). Cytogenetic location: 7q34.
Variant type: single nucleotide variant.
Coding change: c.1433-5T>C on transcript NM_004333.6 (MANE Select); 5 bases into the intron before coding-DNA position 1433, T replaced by C.
Molecular consequence: intron variant.
Genome position (GRCh38, 1-based): chr7:140,778,080, A>G on the plus strand (T>C on the coding strand, the complement: BRAF is on the minus strand). VCF-style: chr7-140778080-A-G. GRCh37 (hg19) VCF-style: chr7-140477880-A-G.
Other names: c.1433-5T>C (NM_001378474.1, NM_001378468.1, NM_001354609.2); c.1331-5T>C (NM_001378470.1); c.1169-5T>C (NM_001378475.1); c.1322-5T>C (NM_001378471.1); c.1553-5T>C (NM_001374258.1, NM_001374244.1); c.1442-5T>C (NM_001378467.1); c.1277-5T>C (NM_001378472.1, NM_001378473.1); c.1367-5T>C (NM_001378469.1).
Identifiers: ClinVar variation 136533 (VCV000136533.13), dbSNP rs587780861, ClinGen allele CA289728.

ClinVar aggregate classification (germline): Benign/Likely benign. Review status: criteria provided, multiple submitters, no conflicts (2 of 4 stars). 4 submissions from 4 submitters: Benign (1); Likely benign (3). Last evaluated 2025-12-18.

Conditions:
Cardiofaciocutaneous syndrome 1 (CFC1). Also called: BRAF-Related Cardiofaciocutaneous Syndrome; MAP2K1-Related Cardiofaciocutaneous Syndrome; KRAS-Related Cardiofaciocutaneous Syndrome; MAP2K2-Related Cardiofaciocutaneous Syndrome. Identifiers: Orphanet 1340, MedGen CN029449, MONDO:0007265, OMIM 115150. Disease mechanism: gain of function.
LEOPARD syndrome 3 (LPRD3). Identifiers: Orphanet 500, MedGen C3150971, MONDO:0013380, OMIM 613707.
Noonan syndrome 7 (NS7). Also called: BRAF-Related Noonan Syndrome. Identifiers: Orphanet 648, MedGen C3150970, MONDO:0013379, OMIM 613706.
Colorectal cancer. Also called: Malignant Colorectal Neoplasm; Colorectal cancer, somatic. Identifiers: MedGen C0346629, MONDO:0005575, OMIM 114500.
Lung cancer. Also called: Lung cancer, somatic; Malignant tumor of lung. Identifiers: MedGen C0242379, MONDO:0008903, OMIM 211980.
Melanoma, cutaneous malignant, susceptibility to, 1 (CMM1). Also called: B-K MOLE SYNDROME; MELANOMA, MALIGNANT; DYSPLASTIC NEVUS SYNDROME, HEREDITARY; FAMILIAL ATYPICAL MOLE-MALIGNANT MELANOMA SYNDROME. Identifiers: Orphanet 618, MedGen C1835047, MONDO:0007963, OMIM 155600.
RASopathy. Also called: rasopathies; Noonan spectrum disorder. Identifiers: Orphanet 536391, MedGen C5555857, MONDO:0021060.

Allele frequency attached by ClinVar (database versions not stated): TOPMed 0.00002; ExAC 0.00004; gnomAD exomes 0.00004 and 0.00006.
gnomAD v4.1: 21 of 1,613,186 alleles (0.0013%); highest among the groups gnomAD compares: Admixed American, 0.035%; no homozygotes.

Submissions (4):

Labcorp Genetics (formerly Invitae), Labcorp
Classification: Likely benign for RASopathy. Last evaluated: 2025-12-18. Review status: criteria provided, single submitter. Criteria: Invitae Variant Classification Sherloc (09022015). Collection method: clinical testing. Allele origin: germline.

Fulgent Genetics
Classification: Likely benign for Colorectal cancer; Cardiofaciocutaneous syndrome 1; Melanoma, cutaneous malignant, susceptibility to, 1; Lung cancer; Noonan syndrome 7; LEOPARD syndrome 3. Last evaluated: 2024-04-02. Review status: criteria provided, single submitter. Criteria: ACMG Guidelines, 2015. Collection method: clinical testing. Allele origin: germline.

Women's Health and Genetics/Laboratory Corporation of America, LabCorp
Classification: Likely benign. Last evaluated: 2023-11-28. Review status: criteria provided, single submitter. Criteria: LabCorp Variant Classification Summary - May 2015. Collection method: clinical testing. Allele origin: germline.
Comment: Variant summary: BRAF c.1433-5T>C alters a conserved nucleotide located close to a canonical splice site and therefore could affect mRNA splicing, leading to a significantly altered protein sequence. Three computational tools predict a significant impact on normal splicing: Two predict the variant abolishes a canonical 3' acceptor site, and one predicts the variant weakens this site. However, these predictions have yet to be confirmed by functional studies. The variant allele was found at a frequency of 6e-05 in 251266 control chromosomes, predominantly at a frequency of 0.00043 within the Latino subpopulation in the gnomAD database. The observed variant frequency within Latino control individuals in the gnomAD database is approximately 92-fold of the estimated maximal expected allele frequency for a pathogenic variant in BRAF causing Cardiofaciocutaneous Syndrome phenotype (4.7e-06), strongly suggesting that the variant is a benign polymorphism found primarily in populations of Latino origin. To our knowledge, no occurrence of c.1433-5T>C in individuals affected with Cardiofaciocutaneous Syndrome and no experimental evidence demonstrating its impact on protein function have been reported. One submitter has cited a clinical-significance assessment for this variant to ClinVar after 2014 and has classified the variant as likely benign. Based on the evidence outlined above, the variant was classified as likely benign.

GeneDx
Classification: Benign. Last evaluated: 2013-09-08. Review status: criteria provided, single submitter. Criteria: GeneDx Variant Classification (06012015). Collection method: clinical testing. Allele origin: germline. Affected: yes.
Comment: This variant is considered likely benign or benign based on one or more of the following criteria: it is a conservative change, it occurs at a poorly conserved position in the protein, it is predicted to be benign by multiple in silico algorithms, and/or has population frequency not consistent with disease.

Literature cited by the submitters: PubMed 24920063 (cited by Women's Health and Genetics/Laboratory Corporation of America, LabCorp); PubMed 24446311 (cited by Women's Health and Genetics/Laboratory Corporation of America, LabCorp); PubMed 26732095 (cited by Women's Health and Genetics/Laboratory Corporation of America, LabCorp); PubMed 28947956 (cited by Women's Health and Genetics/Laboratory Corporation of America, LabCorp); PubMed 27276561 (cited by Women's Health and Genetics/Laboratory Corporation of America, LabCorp).